The following is an entry in ClinVar:

ClinVar aggregate classification (germline): Conflicting classifications of pathogenicity. Review status: criteria provided, conflicting classifications (1 of 4 stars). 5 submissions from 5 submitters: Uncertain significance (4); Likely benign (1). Last evaluated 2025-03-04.

Conditions:
Hereditary cancer-predisposing syndrome. Also called: Neoplastic Syndromes, Hereditary; Hereditary Cancer Syndrome; Hereditary neoplastic syndrome; Tumor predisposition. Identifiers: Orphanet 140162, MedGen C0027672, MeSH D009386, MONDO:0015356.
Hereditary breast ovarian cancer syndrome. Also called: Hereditary breast and ovarian cancer syndrome (HBOC); Hereditary breast and ovarian cancer syndrome; Breast and ovarian cancer; Hereditary breast and/or ovarian cancer syndrome; Hereditary breast and ovarian cancer; BRCA1- and BRCA2-Associated Hereditary Breast and Ovarian Cancer. Identifiers: Orphanet 145, MedGen C0677776, MeSH D061325, MONDO:0003582. Disease mechanism: loss of function.

Allele frequency attached by ClinVar (database versions not stated): gnomAD exomes below 0.00001.

Submissions (5):

Ambry Genetics
Classification: Uncertain significance for Hereditary cancer-predisposing syndrome. Last evaluated: 2025-03-04. Review status: criteria provided, single submitter. Criteria: Ambry Variant Classification Scheme 2023. Collection method: clinical testing. Allele origin: germline.
Comment: The p.M1272I variant (also known as c.3816G>A), located in coding exon 10 of the BRCA2 gene, results from a G to A substitution at nucleotide position 3816. The methionine at codon 1272 is replaced by isoleucine, an amino acid with highly similar properties. This amino acid position is poorly conserved in available vertebrate species. In addition, this alteration is predicted to be tolerated by in silico analysis. Since supporting evidence is limited at this time, the clinical significance of this alteration remains unclear.

Labcorp Genetics (formerly Invitae), Labcorp
Classification: Uncertain significance for Hereditary breast ovarian cancer syndrome. Last evaluated: 2025-02-10. Review status: criteria provided, single submitter. Criteria: Invitae Variant Classification Sherloc (09022015). Collection method: clinical testing. Allele origin: germline.
Comment: This sequence change replaces methionine, which is neutral and non-polar, with isoleucine, which is neutral and non-polar, at codon 1272 of the BRCA2 protein (p.Met1272Ile). This variant is not present in population databases (gnomAD no frequency). This variant has not been reported in the literature in individuals affected with BRCA2-related conditions. ClinVar contains an entry for this variant (Variation ID: 462310). Invitae Evidence Modeling of protein sequence and biophysical properties (such as structural, functional, and spatial information, amino acid conservation, physicochemical variation, residue mobility, and thermodynamic stability) indicates that this missense variant is not expected to disrupt BRCA2 protein function with a negative predictive value of 95%. In summary, the available evidence is currently insufficient to determine the role of this variant in disease. Therefore, it has been classified as a Variant of Uncertain Significance.

University of Washington Department of Laboratory Medicine, University of Washington
Classification: Likely benign for Hereditary cancer-predisposing syndrome. Last evaluated: 2023-03-23. Review status: criteria provided, single submitter. Criteria: Dines et al. (Genet Med. 2020). Collection method: curation. Allele origin: germline.
Comment: Missense variant in a coldspot region where missense variants are very unlikely to be pathogenic (PMID:31911673).

BRCA2 exon 11 coldspot. Reclassification based on statistical prior probability.

Quest Diagnostics Nichols Institute San Juan Capistrano
Classification: Uncertain significance. Last evaluated: 2021-01-14. Review status: criteria provided, single submitter. Criteria: Quest Diagnostics criteria. Collection method: clinical testing. Allele origin: unknown.

Women's Health and Genetics/Laboratory Corporation of America, LabCorp
Classification: Uncertain significance. Last evaluated: 2018-08-31. Review status: criteria provided, single submitter. Criteria: LabCorp Variant Classification Summary - May 2015. Collection method: clinical testing. Allele origin: germline.
Comment: Variant summary: BRCA2 c.3816G>A (p.Met1272Ile) results in a conservative amino acid change in the encoded protein sequence. Five of five in-silico tools predict a benign effect of the variant on protein function. The variant was absent in 221668 control chromosomes (gnomAD). The available data on variant occurrences in the general population are insufficient to allow any conclusion about variant significance. To our knowledge, no occurrence of c.3816G>A in individuals affected with Hereditary Breast and Ovarian Cancer and no experimental evidence demonstrating its impact on protein function have been reported. A ClinVar submission from another clinical diagnostic laboratory (evaluation after 2014) cites the variant as uncertain significance. Based on the evidence outlined above, the variant was classified as uncertain significance.

NM_000059.4(BRCA2):c.3816G>A (p.Met1272Ile)

Gene: BRCA2 (BRCA2 DNA repair associated; plus strand). Cytogenetic location: 13q13.1.
Variant type: single nucleotide variant.
Coding change: c.3816G>A on transcript NM_000059.4 (MANE Select); coding-DNA position 3816, G replaced by A.
Protein change: p.Met1272Ile; replaces methionine 1272 with isoleucine.
Molecular consequence: missense variant.
Genome position (GRCh38, 1-based): chr13:32,338,171, G>A. VCF-style: chr13-32338171-G-A. GRCh37 (hg19) VCF-style: chr13-32912308-G-A.
Other names: short protein forms M1272I.
Identifiers: ClinVar variation 462310 (VCV000462310.13), dbSNP rs1469541725, ClinGen allele CA387778464.